The following is an entry in ClinVar:

ClinVar aggregate classification (germline): Pathogenic (1 of 4 stars; one submission).

Conditions:
Galactosylceramide beta-galactosidase deficiency. Also called: GALC DEFICIENCY; GLOBOID CELL LEUKOENCEPHALOPATHY; Krabbe Disease; Leukodystrophy, Globoid Cell; GALACTOCEREBROSIDASE DEFICIENCY. Identifiers: Orphanet 487, MedGen C0023521, MONDO:0009499, OMIM 245200.

Submission:

Labcorp Genetics (formerly Invitae), Labcorp
Classification: Pathogenic for Galactosylceramide beta-galactosidase deficiency. Last evaluated: 2023-04-15. Review status: criteria provided, single submitter. Criteria: Invitae Variant Classification Sherloc (09022015). Collection method: clinical testing. Allele origin: germline.
Comment: This sequence change creates a premature translational stop signal (p.Gly524Alafs*29) in the GALC gene. It is expected to result in an absent or disrupted protein product. Loss-of-function variants in GALC are known to be pathogenic (PMID: 7437911, 9272171, 16607461). This variant is not present in population databases (gnomAD no frequency). This variant has not been reported in the literature in individuals affected with GALC-related conditions. For these reasons, this variant has been classified as Pathogenic.

Literature cited by the submitters: PubMed 7437911; PubMed 9272171; PubMed 16607461.

NM_000153.4(GALC):c.1571del (p.Gly524fs)

Gene: GALC (galactosylceramidase; minus strand). Cytogenetic location: 14q31.3.
Variant type: Deletion.
Coding change: c.1571del on transcript NM_000153.4 (MANE Select); coding-DNA position 1571, one base deleted (G; older notation c.1571delG).
Protein change: p.Gly524fs; shifts the reading frame from glycine 524.
Molecular consequence: frameshift variant.
Genome position (GRCh38, 1-based): chr14:87,945,652, C deleted on the plus strand (G on the coding strand, the reverse complement: GALC is on the minus strand); the first of 2 consecutive C bases (chr14:87,945,652-87,945,653); deleting either gives the same sequence. VCF-style (leftmost placement, unchanged base first): chr14-87945651-GC-G. GRCh37 (hg19) VCF-style: chr14-88411995-GC-G.
Other names: c.1502del, p.Gly501fs (NM_001201401.2); c.1493del, p.Gly498fs (NM_001201402.2); c.1403del, p.Gly468fs (NM_001424071.1, NM_001424072.1, NM_001424073.1); c.1223del, p.Gly408fs (NM_001424074.1, NM_001424075.1); c.938del, p.Gly313fs (NM_001424076.1, NM_001424077.1); short protein forms G408fs, G468fs, G313fs, G501fs, G524fs, G498fs.
Identifiers: ClinVar variation 2855776 (VCV002855776.3), dbSNP rs2503354731, ClinGen allele CA2739279787.